The following is an entry in ClinVar:

NM_005585.5(SMAD6):c.613T>A (p.Cys205Ser)

Gene: SMAD6 (SMAD family member 6; plus strand). Cytogenetic location: 15q22.31.
Variant type: single nucleotide variant.
Coding change: c.613T>A on transcript NM_005585.5 (MANE Select); coding-DNA position 613, T replaced by A.
Protein change: p.Cys205Ser; replaces cysteine 205 with serine.
Molecular consequence: missense variant. On other transcripts: non-coding transcript variant (1).
Genome position (GRCh38, 1-based): chr15:66,703,871, T>A. VCF-style: chr15-66703871-T-A. GRCh37 (hg19) VCF-style: chr15-66996209-T-A.
Other names: short protein forms C205S.
Identifiers: ClinVar variation 690412 (VCV000690412.5), dbSNP rs1595757271, ClinGen allele CA392949894.
Genomic context (GRCh38, chr15:66,703,871, plus strand): 5'-GAGCGCTCGCTGGACACGCTGCTGGAGGCGGTGGAGTCCCGCGGCGGCGTGCCGGGCGGC[T>A]GCGTGCTGGTGCCGCGCGCCGACCTCCGCCTGGGCGGCCAGCCCGCGCCGCCGCAGCTGC-3'
Protein context (NP_005576.3, residues 195-215): VESRGGVPGG[Cys205Ser]VLVPRADLRL

ClinVar aggregate classification (germline): Uncertain significance; risk factor. Review status: no assertion criteria provided (0 of 4 stars). 2 submissions from 2 submitters: Uncertain significance (1). Last evaluated 2020-05-27.

Conditions:
Radioulnar synostosis, nonsyndromic, susceptibility to. Identifiers: MedGen C5241445, MONDO:0100183, OMIM 179300.
Radioulnar synostosis. Also called: Congenital radioulnar synostosis. Identifiers: Orphanet 3269, MedGen C0158761, MONDO:0017985, HP:0002974.

Submissions (2):

OMIM
Classification: risk factor for RADIOULNAR SYNOSTOSIS, NONSYNDROMIC, SUSCEPTIBILITY TO. Last evaluated: 2020-05-27. Review status: no assertion criteria provided. Collection method: literature only. Allele origin: germline.

The Laboratory of Genetics and Metabolism, Hunan Children’s Hospital
Classification: Uncertain significance for radioulnar synostosis. Last evaluated: 2019-05-14. Review status: no assertion criteria provided. Collection method: case-control. Allele origin: unknown. Affected: yes.
Comment: PM1, PM2, PP3

Literature cited by the submitters: PubMed 31138930 (cited by OMIM).